The following is an entry in ClinVar:

NM_000414.4(HSD17B4):c.1042G>A (p.Ala348Thr)

Gene: HSD17B4 (hydroxysteroid 17-beta dehydrogenase 4; plus strand). Cytogenetic location: 5q23.1.
Variant type: single nucleotide variant.
Coding change: c.1042G>A on transcript NM_000414.4 (MANE Select); coding-DNA position 1042, G replaced by A.
Protein change: p.Ala348Thr; replaces alanine 348 with threonine.
Molecular consequence: missense variant. On other transcripts: non-coding transcript variant (2).
Genome position (GRCh38, 1-based): chr5:119,499,386, G>A. VCF-style: chr5-119499386-G-A. GRCh37 (hg19) VCF-style: chr5-118835081-G-A.
Other names: c.1117G>A, p.Ala373Thr (NM_001199291.3); c.988G>A, p.Ala330Thr (NM_001199292.2); c.970G>A, p.Ala324Thr (NM_001292027.2); c.622G>A, p.Ala208Thr (NM_001292028.2); c.1033G>A, p.Ala345Thr (NM_001374497.1); c.1042G>A, p.Ala348Thr (NM_001374498.1); c.715G>A, p.Ala239Thr (NM_001374499.1); c.601G>A, p.Ala201Thr (NM_001374500.1); and 1 more; short protein forms A208T, A373T, A201T, A345T, A324T, A348T, A211T, A239T.
Identifiers: ClinVar variation 2136320 (VCV002136320.3), dbSNP rs2531742236, ClinGen allele CA360867998.

ClinVar aggregate classification (germline): Uncertain significance (1 of 4 stars; one submission).

Conditions:
Bifunctional peroxisomal enzyme deficiency (DBIF). Also called: DBP DEFICIENCY; PBFE DEFICIENCY; D-bifunctional protein deficiency. Identifiers: Orphanet 300, MedGen C0342870, MONDO:0009855, OMIM 261515. Disease mechanism: loss of function.
Perrault syndrome. Also called: Gonadal dysgenesis with auditory dysfunction, autosomal recessive inheritance. Identifiers: Orphanet 2855, MedGen C0685838, MONDO:0017312.

Allele frequency attached by ClinVar (database versions not stated): gnomAD exomes 0.00002.

Submission:

Labcorp Genetics (formerly Invitae), Labcorp
Classification: Uncertain significance for Perrault syndrome; Bifunctional peroxisomal enzyme deficiency. Last evaluated: 2024-06-17. Review status: criteria provided, single submitter. Criteria: Invitae Variant Classification Sherloc (09022015). Collection method: clinical testing. Allele origin: germline.
Comment: This sequence change replaces alanine, which is neutral and non-polar, with threonine, which is neutral and polar, at codon 348 of the HSD17B4 protein (p.Ala348Thr). This variant is not present in population databases (gnomAD no frequency). This missense change has been observed in individual(s) with D-bifunctional protein deficiency (PMID: 16385454). ClinVar contains an entry for this variant (Variation ID: 2136320). Advanced modeling of protein sequence and biophysical properties (such as structural, functional, and spatial information, amino acid conservation, physicochemical variation, residue mobility, and thermodynamic stability) performed at Invitae indicates that this missense variant is expected to disrupt HSD17B4 protein function with a positive predictive value of 95%. Experimental studies are conflicting or provide insufficient evidence to determine the effect of this variant on HSD17B4 function (PMID: 22864515). In summary, the available evidence is currently insufficient to determine the role of this variant in disease. Therefore, it has been classified as a Variant of Uncertain Significance.

Literature cited by the submitters: PubMed 16385454; PubMed 22864515.